The following is an entry in ClinVar:

ClinVar aggregate classification (germline): Uncertain significance (1 of 4 stars; one submission).

Conditions:
Hypercholesterolemia, autosomal dominant, 3 (FHCL3). Also called: Familial hypercholesterolemia 3; Familial Hypercholesterolemia, Autosomal Dominant, 3; PCSK9-Related Familial Hypercholesterolemia, Autosomal Dominant. Identifiers: MedGen C1863551, MONDO:0011369, OMIM 603776.

Submission:

Labcorp Genetics (formerly Invitae), Labcorp
Classification: Uncertain significance for Hypercholesterolemia, autosomal dominant, 3. Last evaluated: 2025-07-29. Review status: criteria provided, single submitter. Criteria: Invitae Variant Classification Sherloc (09022015). Collection method: clinical testing. Allele origin: germline.
Comment: This sequence change replaces serine, which is neutral and polar, with arginine, which is basic and polar, at codon 545 of the PCSK9 protein (p.Ser545Arg). This variant is not present in population databases (gnomAD no frequency). This variant has not been reported in the literature in individuals affected with PCSK9-related conditions. Invitae Evidence Modeling of protein sequence and biophysical properties (such as structural, functional, and spatial information, amino acid conservation, physicochemical variation, residue mobility, and thermodynamic stability) indicates that this missense variant is not expected to disrupt PCSK9 protein function with a negative predictive value of 80%. In summary, the available evidence is currently insufficient to determine the role of this variant in disease. Therefore, it has been classified as a Variant of Uncertain Significance.

NM_174936.4(PCSK9):c.1633A>C (p.Ser545Arg)

Gene: PCSK9 (proprotein convertase subtilisin/kexin type 9; plus strand). Cytogenetic location: 1p32.3.
Variant type: single nucleotide variant.
Coding change: c.1633A>C on transcript NM_174936.4 (MANE Select); coding-DNA position 1633, A replaced by C.
Protein change: p.Ser545Arg; replaces serine 545 with arginine.
Molecular consequence: missense variant. On other transcripts: non-coding transcript variant (7), intron variant (1).
Genome position (GRCh38, 1-based): chr1:55,059,615, A>C. VCF-style: chr1-55059615-A-C. GRCh37 (hg19) VCF-style: chr1-55525288-A-C.
Other names: c.1756A>C, p.Ser586Arg (NM_001407240.1); c.1675A>C, p.Ser559Arg (NM_001407241.1); c.1636A>C, p.Ser546Arg (NM_001407242.1); c.1576A>C, p.Ser526Arg (NM_001407243.1); c.1459A>C, p.Ser487Arg (NM_001407244.1); c.1441A>C, p.Ser481Arg (NM_001407245.1); c.1258A>C, p.Ser420Arg (NM_001407246.1); c.1181-1760A>C (NM_001407247.1); short protein forms S526R, S545R, S546R, S559R, S420R, S481R, S487R, S586R.
Identifiers: ClinVar variation 4692204 (VCV004692204.1).